The following is an entry in ClinVar:

ClinVar aggregate classification (germline): Pathogenic (1 of 4 stars; one submission).

Conditions:
Primary ciliary dyskinesia. Also called: Ciliary dyskinesia. Identifiers: Orphanet 244, MedGen C0008780, MONDO:0016575, HP:0012265.

Submission:

Labcorp Genetics (formerly Invitae), Labcorp
Classification: Pathogenic for Primary ciliary dyskinesia. Last evaluated: 2022-03-17. Review status: criteria provided, single submitter. Criteria: Invitae Variant Classification Sherloc (09022015). Collection method: clinical testing. Allele origin: germline.
Comment: For these reasons, this variant has been classified as Pathogenic. This variant has not been reported in the literature in individuals affected with DNAH5-related conditions. This variant is not present in population databases (gnomAD no frequency). This sequence change creates a premature translational stop signal (p.Met755Aspfs*4) in the DNAH5 gene. It is expected to result in an absent or disrupted protein product. Loss-of-function variants in DNAH5 are known to be pathogenic (PMID: 11788826, 16627867).

Literature cited by the submitters: PubMed 11788826; PubMed 16627867.

NM_001369.3(DNAH5):c.2262dup (p.Met755fs)

Genes: DNAH5 (dynein axonemal heavy chain 5; minus strand), DNAH5-AS1 (DNAH5 antisense RNA 1; plus strand). Cytogenetic location: 5p15.2.
Variant type: Duplication.
Coding change: c.2262dup on transcript NM_001369.3 (MANE Select); coding-DNA position 2262, one base duplicated (G; older notation c.2262dupG).
Protein change: p.Met755fs; shifts the reading frame from methionine 755.
Molecular consequence: frameshift variant.
Genome position (GRCh38, 1-based): chr5:13,894,819, C duplicated on the plus strand (G on the coding strand, the reverse complement: DNAH5 is on the minus strand). VCF-style (leftmost placement, unchanged base first): chr5-13894818-T-TC. GRCh37 (hg19) VCF-style: chr5-13894927-T-TC.
Other names: short protein forms M755fs.
Identifiers: ClinVar variation 1434291 (VCV001434291.6), dbSNP rs2151953686, ClinGen allele CA2573138485.